The following is an entry in ClinVar:

NM_017837.4(PIGV):c.349A>G (p.Ile117Val)

Gene: PIGV (phosphatidylinositol glycan anchor biosynthesis class V; plus strand). Cytogenetic location: 1p36.11.
Variant type: single nucleotide variant.
Coding change: c.349A>G on transcript NM_017837.4 (MANE Select); coding-DNA position 349, A replaced by G.
Protein change: p.Ile117Val; replaces isoleucine 117 with valine.
Molecular consequence: missense variant. On other transcripts: intron variant (3), 5 prime UTR variant (1), non-coding transcript variant (1).
Genome position (GRCh38, 1-based): chr1:26,794,383, A>G. VCF-style: chr1-26794383-A-G. GRCh37 (hg19) VCF-style: chr1-27120874-A-G.
Other names: c.172+177A>G (NM_001374485.1, NM_001374484.1); c.349A>G, p.Ile117Val (NM_001202554.2, NM_001374478.1, NM_001374480.1 and 2 more transcripts); c.-33A>G (NM_001374483.1); c.79-3180A>G (NM_001374486.1); short protein forms I117V.
Identifiers: ClinVar variation 297116 (VCV000297116.19), dbSNP rs142192097, ClinGen allele CA708044.

ClinVar aggregate classification (germline): Conflicting classifications of pathogenicity. Review status: criteria provided, conflicting classifications (1 of 4 stars). 8 submissions from 8 submitters: Uncertain significance (6); Likely benign (1). 1 of the submissions does not count toward it. Last evaluated 2024-11-13.

Conditions:
PIGV-related disorder. Also called: PIGV-related disorders; PIGV-related condition.
Hyperphosphatasia with impaired intellectual development syndrome 1. Also called: MABRY SYNDROME; GLYCOSYLPHOSPHATIDYLINOSITOL BIOSYNTHESIS DEFECT 2; Hyperphosphatasia with intellectual disability syndrome 1. Identifiers: Orphanet 247262, MedGen C4551502, MONDO:0009398, OMIM 239300.

Allele frequency attached by ClinVar (database versions not stated): 1000 Genomes Project 30x 0.00094; gnomAD 0.00097 and 0.00095; gnomAD exomes 0.00139 and 0.00171; ExAC 0.00158; 1000 Genomes Project 0.00080; TOPMed 0.00104.
gnomAD v4.1: 2,625 of 1,614,180 alleles (0.16%); highest among the groups gnomAD compares: Middle Eastern, 0.25%; 4 homozygotes.

Submissions (8):

Blueprint Genetics
Classification: Uncertain significance. Last evaluated: 2024-11-13. Review status: criteria provided, single submitter. Criteria: ACMG Guidelines, 2015. Collection method: clinical testing. Allele origin: germline.

GeneDx
Classification: Uncertain significance. Last evaluated: 2022-10-28. Review status: criteria provided, single submitter. Criteria: GeneDx Variant Classification Process June 2021. Collection method: clinical testing. Allele origin: germline. Affected: yes.
Comment: In silico analysis supports that this missense variant does not alter protein structure/function; Has not been previously published as pathogenic or benign to our knowledge

New York Genome Center
Classification: Uncertain significance for Hyperphosphatasia with impaired intellectual development syndrome 1. Last evaluated: 2020-06-18. Review status: criteria provided, single submitter. Criteria: NYGC Assertion Criteria 2020. Collection method: clinical testing. Allele origin: germline. Observed: 1 heterozygote. Study: CSER-NYCKidSeq.

Labcorp Genetics (formerly Invitae), Labcorp
Classification: Likely benign. Last evaluated: 2019-12-31. Review status: criteria provided, single submitter. Criteria: Invitae Variant Classification Sherloc (09022015). Collection method: clinical testing. Allele origin: germline.

Illumina Laboratory Services, Illumina
Classification: Uncertain significance for Hyperphosphatasia with impaired intellectual development syndrome 1. Last evaluated: 2018-01-12. Review status: criteria provided, single submitter. Criteria: ICSL Variant Classification Criteria 13 December 2019. Collection method: clinical testing. Allele origin: germline.

Center for Pediatric Genomic Medicine, Children's Mercy Hospital and Clinics
Classification: Uncertain significance. Last evaluated: 2017-05-19. Review status: criteria provided, single submitter. Criteria: ACMG Guidelines, 2015. Collection method: clinical testing. Allele origin: germline.

Laboratory for Molecular Medicine, Mass General Brigham Personalized Medicine
Classification: Uncertain significance. Last evaluated: 2016-03-29. Review status: criteria provided, single submitter. Criteria: LMM Criteria. Collection method: clinical testing. Allele origin: germline.
Comment: Variant identified in a genome or exome case(s) and assessed due to predicted null impact of the variant or pathogenic assertions in the literature or databases. Disclaimer: This variant has not undergone full assessment. The following are preliminary notes: See c.348G>A. These two variants result in c.348_349delinsAG. (p.Ile117Val). Not reported. MAF 0.25%. Gene is associated with AR hyperphosphatasia with mental retardation syndrome. Severe end of the spectrum presents with multiple congenital anomalies, including Hirschsprung disease, vesicoureteral, and renal anomalies as well as anorectal malformations. Developmental delays, particular facial anomalies, brachytelephalangy, and hyperphosphatasia are consistently found. VUS3, but the gene may explain the patient's phenotype, so may report in IBA report. - OB 10/22/15: Decided to not include in the report, since it is a VUS3 in a recessive gene not well-associated with the patient's pehnotype, and the variant is heterozygous.

PreventionGenetics, part of Exact Sciences
Classification: Likely benign for PIGV-related condition. Last evaluated: 2022-06-22. Review status: no assertion criteria provided. Collection method: clinical testing. Allele origin: germline. Not counted in ClinVar's aggregate classification.
Comment: This variant is classified as likely benign based on ACMG/AMP sequence variant interpretation guidelines (Richards et al. 2015 PMID: 25741868, with internal and published modifications).